The following is an entry in ClinVar:

NM_001008537.3(NEXMIF):c.584A>T (p.Tyr195Phe)

Gene: NEXMIF (neurite extension and migration factor; minus strand). Cytogenetic location: Xq13.3.
Variant type: single nucleotide variant.
Coding change: c.584A>T on transcript NM_001008537.3 (MANE Select); coding-DNA position 584, A replaced by T.
Protein change: p.Tyr195Phe; replaces tyrosine 195 with phenylalanine.
Molecular consequence: missense variant.
Genome position (GRCh38, 1-based): chrX:74,743,973, T>A on the plus strand (A>T on the coding strand, the complement: NEXMIF is on the minus strand). VCF-style: chrX-74743973-T-A. GRCh37 (hg19) VCF-style: chrX-73963808-T-A.
Other names: short protein forms Y195F.
Identifiers: ClinVar variation 2581936 (VCV002581936.1), dbSNP rs1265189441, ClinGen allele CA413672997.
Genomic context (GRCh38, chrX:74,743,973, plus strand): 5'-CCTGCCCTTGACTTATGCAGGGGGAAGCCTAGGAGCTGGTCTGAGAGCAGCTGCTCTCCA[T>A]ATTTCATATTTTCTCCAGCATTAATACACTGAATCCCTATATCAGAGACTGCACACGTTT-3'
Protein context (NP_001008537.1, residues 185-205): QCINAGENMK[Tyr195Phe]GEQLLSDQLL

ClinVar aggregate classification (germline): Uncertain significance (1 of 4 stars; one submission).

Allele frequency attached by ClinVar (database versions not stated): TOPMed 0.00001.

Submission:

GeneDx
Classification: Uncertain significance. Last evaluated: 2023-03-28. Review status: criteria provided, single submitter. Criteria: GeneDx Variant Classification Process June 2021. Collection method: clinical testing. Allele origin: germline. Affected: yes.
Comment: Not observed at significant frequency in large population cohorts (gnomAD); In silico analysis supports that this missense variant does not alter protein structure/function; Has not been previously published as pathogenic or benign to our knowledge